The following is an entry in ClinVar:

ClinVar aggregate classification (germline): Uncertain significance (1 of 4 stars; one submission).

Conditions:
Familial focal epilepsy with variable foci (FPEVF). Identifiers: Orphanet 98820, MedGen C1858477, MONDO:0020310.

Submission:

Labcorp Genetics (formerly Invitae), Labcorp
Classification: Uncertain significance for Familial focal epilepsy with variable foci. Last evaluated: 2022-09-27. Review status: criteria provided, single submitter. Criteria: Invitae Variant Classification Sherloc (09022015). Collection method: clinical testing. Allele origin: germline.
Comment: This sequence change replaces aspartic acid, which is acidic and polar, with tyrosine, which is neutral and polar, at codon 1267 of the DEPDC5 protein (p.Asp1267Tyr). The frequency data for this variant in the population databases is considered unreliable, as metrics indicate poor data quality at this position in the gnomAD database. This variant has not been reported in the literature in individuals affected with DEPDC5-related conditions. ClinVar contains an entry for this variant (Variation ID: 1011050). Algorithms developed to predict the effect of missense changes on protein structure and function are either unavailable or do not agree on the potential impact of this missense change (SIFT: "Deleterious"; PolyPhen-2: "Not Available"; Align-GVGD: "Class C0"). In summary, the available evidence is currently insufficient to determine the role of this variant in disease. Therefore, it has been classified as a Variant of Uncertain Significance.

NM_001242896.3(DEPDC5):c.3799G>T (p.Asp1267Tyr)

Gene: DEPDC5 (DEP domain containing 5, GATOR1 subcomplex subunit; plus strand). Cytogenetic location: 22q12.3.
Variant type: single nucleotide variant.
Coding change: c.3799G>T on transcript NM_001242896.3 (MANE Select); coding-DNA position 3799, G replaced by T.
Protein change: p.Asp1267Tyr; replaces aspartic acid 1267 with tyrosine.
Molecular consequence: missense variant. On other transcripts: non-coding transcript variant (2).
Genome position (GRCh38, 1-based): chr22:31,876,259, G>T. VCF-style: chr22-31876259-G-T. GRCh37 (hg19) VCF-style: chr22-32272245-G-T.
Other names: c.3772G>T, p.Asp1258Tyr (NM_001136029.4); c.3499G>T, p.Asp1167Tyr (NM_001242897.2); c.3733G>T, p.Asp1245Tyr (NM_001363852.2, NM_001364320.2); c.3565G>T, p.Asp1189Tyr (NM_001363854.2, NM_001364319.2); c.3799G>T, p.Asp1267Tyr (NM_001364318.2); c.3715G>T, p.Asp1239Tyr (NM_001369901.1, NM_001369902.1); c.3706G>T, p.Asp1236Tyr (NM_001369903.1, NM_014662.6); short protein forms D1167Y, D1189Y, D1236Y, D1239Y, D1245Y, D1258Y, D1267Y.
Identifiers: ClinVar variation 1011050 (VCV001011050.8), dbSNP rs1340279120, ClinGen allele CA411279852.